The following is an entry in ClinVar:

ClinVar aggregate classification (germline): Likely benign (0 of 4 stars; one submission).

Conditions:
PCDHA3-related disorder. Also called: PCDHA3-related condition.

Allele frequency attached by ClinVar (database versions not stated): 1000 Genomes Project 30x 0.00016; ESP Exome Variant Server 0.00023; TOPMed 0.00009; ExAC 0.00016; 1000 Genomes Project 0.00020; gnomAD exomes 0.00022.
gnomAD v4.1: 349 of 1,613,748 alleles (0.022%); highest among the groups gnomAD compares: Middle Eastern, 0.083%; no homozygotes.

Submission:

PreventionGenetics, part of Exact Sciences
Classification: Likely benign for PCDHA3-related condition. Last evaluated: 2020-02-26. Review status: no assertion criteria provided. Collection method: clinical testing. Allele origin: germline.
Comment: This variant is classified as likely benign based on ACMG/AMP sequence variant interpretation guidelines (Richards et al. 2015 PMID: 25741868, with internal and published modifications).

NM_018906.3(PCDHA3):c.1689G>A (p.Pro563=)

Genes: PCDHA1 (protocadherin alpha 1; plus strand), PCDHA2 (protocadherin alpha 2; plus strand), PCDHA3 (protocadherin alpha 3; plus strand), PCDHA@ (protocadherin alpha cluster, complex locus; plus strand). Cytogenetic location: 5q31.3.
Variant type: single nucleotide variant.
Coding change: c.1689G>A on transcript NM_018906.3 (MANE Select); coding-DNA position 1689, G replaced by A.
Protein change: p.Pro563=; no amino-acid change (proline 563 retained).
Molecular consequence: synonymous variant. On other transcripts: intron variant (4).
Genome position (GRCh38, 1-based): chr5:140,802,886, G>A. VCF-style: chr5-140802886-G-A. GRCh37 (hg19) VCF-style: chr5-140182471-G-A.
Other names: c.1689G>A, p.Pro563= (NM_031497.2); c.2394+14202G>A (NM_018900.4); c.1602+14994G>A (NM_031411.3); c.2388+5534G>A (NM_018905.3); c.2389-2174G>A (NM_031496.2).
Identifiers: ClinVar variation 3045650 (VCV003045650.2), dbSNP rs141385563, ClinGen allele CA3446581.